The following is an entry in ClinVar:

ClinVar aggregate classification (germline): Benign (1 of 4 stars; one submission).

Allele frequency attached by ClinVar (database versions not stated): 1000 Genomes Project 0.74581; 1000 Genomes Project 30x 0.74672; TOPMed 0.80900; gnomAD 0.83061 and 0.83591.
gnomAD v4.1: 126,536 of 152,150 alleles (83%); highest among the groups gnomAD compares: Middle Eastern, 93%; 53,443 homozygotes.

Submission:

GeneDx
Classification: Benign. Last evaluated: 2018-06-14. Review status: criteria provided, single submitter. Criteria: GeneDx Variant Classification (06012015). Collection method: clinical testing. Allele origin: germline. Affected: yes.
Comment: This variant is considered likely benign or benign based on one or more of the following criteria: it is a conservative change, it occurs at a poorly conserved position in the protein, it is predicted to be benign by multiple in silico algorithms, and/or has population frequency not consistent with disease.

NM_001267550.2(TTN):c.3523+271G>A

Gene: TTN (titin; minus strand). Cytogenetic location: 2q31.2.
Variant type: single nucleotide variant.
Coding change: c.3523+271G>A on transcript NM_001267550.2 (MANE Select); 271 bases into the intron after coding-DNA position 3523, G replaced by A.
Molecular consequence: intron variant.
Genome position (GRCh38, 1-based): chr2:178,780,850, C>T on the plus strand (G>A on the coding strand, the complement: TTN is on the minus strand). VCF-style: chr2-178780850-C-T. GRCh37 (hg19) VCF-style: chr2-179645577-C-T.
Other names: c.3523+271G>A (NM_001256850.1, NM_133378.4, NM_133379.5); c.3385+271G>A (NM_003319.4, NM_133437.4, NM_133432.3).
Identifiers: ClinVar variation 680819 (VCV000680819.1), dbSNP rs2054708, ClinGen allele CA60980179.